The following is an entry in ClinVar:

ClinVar aggregate classification (germline): Conflicting classifications of pathogenicity. Review status: criteria provided, conflicting classifications (1 of 4 stars). 2 submissions from 2 submitters: Likely pathogenic (1); Uncertain significance (1). Last evaluated 2021-11-04.

Conditions:
Autosomal recessive limb-girdle muscular dystrophy type 2B (LGMDR2). Also called: Limb-girdle muscular dystrophy, type 2B; MUSCULAR DYSTROPHY, LIMB-GIRDLE, TYPE 3; Limb-Girdle Muscular Dystrophy Type 2B (LGMD2B); MUSCULAR DYSTROPHY, LIMB-GIRDLE, AUTOSOMAL RECESSIVE 2. Identifiers: Orphanet 268, MedGen C1850889, MONDO:0009676, OMIM 253601.

gnomAD v4.1: 1 of 1,613,010 alleles (0.000062%); highest among the groups gnomAD compares: Non-Finnish European, 0.000085%; no homozygotes.

Submissions (2):

Mayo Clinic Laboratories, Mayo Clinic
Classification: Uncertain significance. Last evaluated: 2021-11-04. Review status: criteria provided, single submitter. Criteria: ACMG Guidelines, 2015. Collection method: clinical testing. Allele origin: germline.

Laboratory of Medical Genetics, Tor Vergata University
Classification: Likely pathogenic for Autosomal recessive limb-girdle muscular dystrophy type 2B. Last evaluated: 2019-02-15. Review status: criteria provided, single submitter. Criteria: ACMG Guidelines, 2015. Collection method: research. Allele origin: paternal. Inheritance: Autosomal recessive inheritance. Affected: yes. Observed: 1 compound heterozygote.

Literature cited by the submitters: PubMed 31263448 (cited by Laboratory of Medical Genetics, Tor Vergata University).

NM_000070.3(CAPN3):c.1813G>C (p.Val605Leu)

Gene: CAPN3 (calpain 3; plus strand). Cytogenetic location: 15q15.1.
Variant type: single nucleotide variant.
Coding change: c.1813G>C on transcript NM_000070.3 (MANE Select); coding-DNA position 1813, G replaced by C.
Protein change: p.Val605Leu; replaces valine 605 with leucine.
Molecular consequence: missense variant. On other transcripts: intron variant (3).
Genome position (GRCh38, 1-based): chr15:42,408,223, G>C. VCF-style: chr15-42408223-G-C. GRCh37 (hg19) VCF-style: chr15-42700421-G-C.
Other names: p.Val605Leu; c.1795G>C, p.Val599Leu (NM_024344.2); c.277G>C, p.Val93Leu (NM_173088.2); c.1639-1080G>C (NM_173087.2); c.-81-1080G>C (NM_173090.2, NM_173089.2); short protein forms V605L, V93L, V599L.
Identifiers: ClinVar variation 932949 (VCV000932949.6), dbSNP rs200759807, ClinGen allele CA392000685.
Genomic context (GRCh38, chr15:42,408,223, plus strand): 5'-CAGACTGTAATCCTCCCTTCCTTCCTGCCTCCTCCCTCCTCTCTCCAGCCCATCATCTTC[G>C]TTTCGGACAGAGCAAACAGCAACAAGGAGCTGGGTGTGGACCAGGAGTCAGAGGAGGGCA-3'
Protein context (NP_000061.1, residues 595-615): KKKKTKPIIF[Val605Leu]SDRANSNKEL